The following is an entry in ClinVar:

NM_000632.4(ITGAM):c.2944A>G (p.Ile982Val)

Gene: ITGAM (integrin subunit alpha M; plus strand). Cytogenetic location: 16p11.2.
Variant type: single nucleotide variant.
Coding change: c.2944A>G on transcript NM_000632.4 (MANE Select); coding-DNA position 2944, A replaced by G.
Protein change: p.Ile982Val; replaces isoleucine 982 with valine.
Molecular consequence: missense variant.
Genome position (GRCh38, 1-based): chr16:31,329,873, A>G. VCF-style: chr16-31329873-A-G. GRCh37 (hg19) VCF-style: chr16-31341194-A-G.
Other names: c.2947A>G, p.Ile983Val (NM_001145808.2); short protein forms I983V, I982V.
Identifiers: ClinVar variation 1384305 (VCV001384305.8), dbSNP rs1438777311, ClinGen allele CA395699670.

ClinVar aggregate classification (germline): Uncertain significance (1 of 4 stars; one submission).

Allele frequency attached by ClinVar (database versions not stated): gnomAD 0.00001; gnomAD exomes 0.00001; TOPMed 0.00001.
gnomAD v4.1: 8 of 1,563,954 alleles (0.00051%); highest among the groups gnomAD compares: Non-Finnish European, 0.00069%; no homozygotes.

Submission:

Labcorp Genetics (formerly Invitae), Labcorp
Classification: Uncertain significance. Last evaluated: 2024-02-17. Review status: criteria provided, single submitter. Criteria: Invitae Variant Classification Sherloc (09022015). Collection method: clinical testing. Allele origin: germline.
Comment: This sequence change replaces isoleucine, which is neutral and non-polar, with valine, which is neutral and non-polar, at codon 982 of the ITGAM protein (p.Ile982Val). The frequency data for this variant in the population databases is considered unreliable, as metrics indicate poor data quality at this position in the gnomAD database. This variant has not been reported in the literature in individuals affected with ITGAM-related conditions. ClinVar contains an entry for this variant (Variation ID: 1384305). Algorithms developed to predict the effect of missense changes on protein structure and function output the following: SIFT: "Not Available"; PolyPhen-2: "Benign"; Align-GVGD: "Not Available". The valine amino acid residue is found in multiple mammalian species, which suggests that this missense change does not adversely affect protein function. In summary, the available evidence is currently insufficient to determine the role of this variant in disease. Therefore, it has been classified as a Variant of Uncertain Significance.